The following is an entry in ClinVar:

NM_003072.5(SMARCA4):c.68C>G (p.Ser23Cys)

Gene: SMARCA4 (SWI/SNF related BAF chromatin remodeling complex subunit ATPase 4; plus strand). Cytogenetic location: 19p13.2.
Variant type: single nucleotide variant.
Coding change: c.68C>G on transcript NM_003072.5 (MANE Select); coding-DNA position 68, C replaced by G.
Protein change: p.Ser23Cys; replaces serine 23 with cysteine.
Molecular consequence: missense variant. On other transcripts: non-coding transcript variant (1).
Genome position (GRCh38, 1-based): chr19:10,984,219, C>G. VCF-style: chr19-10984219-C-G. GRCh37 (hg19) VCF-style: chr19-11094895-C-G.
Other names: c.68C>G, p.Ser23Cys (NM_001128844.3, NM_001128845.2, NM_001128846.2 and 4 more transcripts); short protein forms S23C.
Identifiers: ClinVar variation 840214 (VCV000840214.9), dbSNP rs1555750712, ClinGen allele CA404054059.

ClinVar aggregate classification (germline): Uncertain significance (1 of 4 stars; one submission).

Conditions:
Rhabdoid tumor predisposition syndrome 2 (RTPS2). Identifiers: Orphanet 231108, Orphanet 69077, MedGen C2750074, MONDO:0013224, OMIM 613325.

Submission:

Labcorp Genetics (formerly Invitae), Labcorp
Classification: Uncertain significance for Rhabdoid tumor predisposition syndrome 2. Last evaluated: 2019-12-11. Review status: criteria provided, single submitter. Criteria: Invitae Variant Classification Sherloc (09022015). Collection method: clinical testing. Allele origin: germline.
Comment: This variant is not present in population databases (ExAC no frequency). This sequence change replaces serine with cysteine at codon 23 of the SMARCA4 protein (p.Ser23Cys). The serine residue is highly conserved and there is a moderate physicochemical difference between serine and cysteine. This variant has not been reported in the literature in individuals with SMARCA4-related conditions. Experimental studies and prediction algorithms are not available or were not evaluated, and the functional significance of this variant is currently unknown. In summary, the available evidence is currently insufficient to determine the role of this variant in disease. Therefore, it has been classified as a Variant of Uncertain Significance.